The following is an entry in ClinVar:

NM_015450.3(POT1):c.1056G>T (p.Leu352Phe)

Gene: POT1 (protection of telomeres 1; minus strand). Cytogenetic location: 7q31.33.
Variant type: single nucleotide variant.
Coding change: c.1056G>T on transcript NM_015450.3 (MANE Select); coding-DNA position 1056, G replaced by T.
Protein change: p.Leu352Phe; replaces leucine 352 with phenylalanine.
Molecular consequence: missense variant. On other transcripts: non-coding transcript variant (3).
Genome position (GRCh38, 1-based): chr7:124,842,914, C>A on the plus strand (G>T on the coding strand, the complement: POT1 is on the minus strand). VCF-style: chr7-124842914-C-A. GRCh37 (hg19) VCF-style: chr7-124482968-C-A.
Other names: c.663G>T, p.Leu221Phe (NM_001042594.2); short protein forms L221F, L352F.
Identifiers: ClinVar variation 3308957 (VCV003308957.2).

ClinVar aggregate classification (germline): Uncertain significance. Review status: criteria provided, multiple submitters, no conflicts (2 of 4 stars). 2 submissions from 2 submitters: Uncertain significance (2). Last evaluated 2024-03-19.

Conditions:
Hereditary cancer-predisposing syndrome. Also called: Tumor predisposition; Hereditary Cancer Syndrome; Hereditary neoplastic syndrome; Neoplastic Syndromes, Hereditary. Identifiers: Orphanet 140162, MedGen C0027672, MeSH D009386, MONDO:0015356.

gnomAD v4.1: 1 of 1,607,156 alleles (0.000062%); no homozygotes.

Submissions (2):

Ambry Genetics
Classification: Uncertain significance for Hereditary cancer-predisposing syndrome. Last evaluated: 2024-03-19. Review status: criteria provided, single submitter. Criteria: Ambry Variant Classification Scheme 2023. Collection method: clinical testing. Allele origin: germline.
Comment: The p.L352F variant (also known as c.1056G>T), located in coding exon 9 of the POT1 gene, results from a G to T substitution at nucleotide position 1056. The leucine at codon 352 is replaced by phenylalanine, an amino acid with highly similar properties. This amino acid position is conserved. In addition, this alteration is predicted to be tolerated by in silico analysis. Based on the available evidence, the clinical significance of this alteration remains unclear.

Blueprint Genetics
Classification: Uncertain significance. Last evaluated: 2021-06-17. Review status: criteria provided, single submitter. Criteria: ACMG Guidelines, 2015. Collection method: clinical testing. Allele origin: germline.